The following is an entry in ClinVar:

NM_001278563.3(COL26A1):c.807C>G (p.Asn269Lys)

Gene: COL26A1 (collagen type XXVI alpha 1 chain; plus strand). Cytogenetic location: 7q22.1.
Variant type: single nucleotide variant.
Coding change: c.807C>G on transcript NM_001278563.3 (MANE Select); coding-DNA position 807, C replaced by G.
Protein change: p.Asn269Lys; replaces asparagine 269 with lysine.
Molecular consequence: missense variant.
Genome position (GRCh38, 1-based): chr7:101,545,441, C>G. VCF-style: chr7-101545441-C-G. GRCh37 (hg19) VCF-style: chr7-101188722-C-G.
Other names: c.801C>G, p.Asn267Lys (NM_133457.5); short protein forms N267K, N269K.
Identifiers: ClinVar variation 4681300 (VCV004681300.5).

ClinVar aggregate classification (germline): Likely benign (1 of 4 stars; one submission).

gnomAD v4.1: 10,582 of 1,608,514 alleles (0.66%); highest among the groups gnomAD compares: Non-Finnish European, 0.78%; 38 homozygotes.

Submission:

CeGaT Center for Human Genetics Tuebingen
Classification: Likely benign. Last evaluated: 2025-12-01. Review status: criteria provided, single submitter. Criteria: CeGaT Center For Human Genetics Tuebingen Variant Classification Criteria Version 2. Collection method: clinical testing. Allele origin: germline. Affected: yes. Observed: 1 variant allele.
Comment: COL26A1: BP4, BS2